The following is an entry in ClinVar:

ClinVar aggregate classification (germline): Uncertain significance. Review status: criteria provided, multiple submitters, no conflicts (2 of 4 stars). 3 submissions from 3 submitters: Uncertain significance (3). Last evaluated 2024-09-04.

Conditions:
Cardiovascular phenotype. Identifiers: MedGen CN230736.
Long QT syndrome (LQTS). Identifiers: MedGen C0023976, MeSH D008133, MONDO:0002442. Disease mechanism: loss of function. Inheritance: Various modes of inheritance.

Allele frequency attached by ClinVar (database versions not stated): gnomAD exomes below 0.00001.
gnomAD v4.1: 7 of 1,614,146 alleles (0.00043%); highest among the groups gnomAD compares: Non-Finnish European, 0.00042%; no homozygotes.

Submissions (3):

Ambry Genetics
Classification: Uncertain significance for Cardiovascular phenotype. Last evaluated: 2024-09-04. Review status: criteria provided, single submitter. Criteria: Ambry Variant Classification Scheme 2023. Collection method: clinical testing. Allele origin: germline.
Comment: The p.T3797I variant (also known as c.11390C>T), located in coding exon 43 of the ANK2 gene, results from a C to T substitution at nucleotide position 11390. The threonine at codon 3797 is replaced by isoleucine, an amino acid with similar properties. This amino acid position is conserved. In addition, the in silico prediction for this alteration is inconclusive. Based on the available evidence, the clinical significance of this variant remains unclear.

Labcorp Genetics (formerly Invitae), Labcorp
Classification: Uncertain significance for Long QT syndrome. Last evaluated: 2024-01-16. Review status: criteria provided, single submitter. Criteria: Invitae Variant Classification Sherloc (09022015). Collection method: clinical testing. Allele origin: germline.
Comment: This sequence change replaces threonine, which is neutral and polar, with isoleucine, which is neutral and non-polar, at codon 3797 of the ANK2 protein (p.Thr3797Ile). This variant is present in population databases (no rsID available, gnomAD 0.0009%). This variant has not been reported in the literature in individuals affected with ANK2-related conditions. Algorithms developed to predict the effect of missense changes on protein structure and function output the following: SIFT: "Not Available"; PolyPhen-2: "Benign"; Align-GVGD: "Not Available". The isoleucine amino acid residue is found in multiple mammalian species, which suggests that this missense change does not adversely affect protein function. In summary, the available evidence is currently insufficient to determine the role of this variant in disease. Therefore, it has been classified as a Variant of Uncertain Significance.

CeGaT Center for Human Genetics Tuebingen
Classification: Uncertain significance. Last evaluated: 2023-12-01. Review status: criteria provided, single submitter. Criteria: CeGaT Center For Human Genetics Tuebingen Variant Classification Criteria Version 2. Collection method: clinical testing. Allele origin: germline. Affected: yes. Observed: 1 variant allele.

NM_001148.6(ANK2):c.11390C>T (p.Thr3797Ile)

Gene: ANK2 (ankyrin 2; plus strand). Cytogenetic location: 4q26.
Variant type: single nucleotide variant.
Coding change: c.11390C>T on transcript NM_001148.6 (MANE Select); coding-DNA position 11390, C replaced by T.
Protein change: p.Thr3797Ile; replaces threonine 3797 with isoleucine.
Molecular consequence: missense variant.
Genome position (GRCh38, 1-based): chr4:113,369,585, C>T. VCF-style: chr4-113369585-C-T. GRCh37 (hg19) VCF-style: chr4-114290741-C-T.
Other names: c.5114C>T, p.Thr1705Ile (NM_001354230.2); c.5177C>T, p.Thr1726Ile (NM_001354231.2, NM_001354242.2); c.5171C>T, p.Thr1724Ile (NM_001354232.2); c.5132C>T, p.Thr1711Ile (NM_001354235.2, NM_001354246.2, NM_001354265.2); c.5033C>T, p.Thr1678Ile (NM_001354236.2); c.5213C>T, p.Thr1738Ile (NM_001354237.2); c.5105C>T, p.Thr1702Ile (NM_001354239.2, NM_001354252.2); c.5180C>T, p.Thr1727Ile (NM_001354240.2, NM_001354241.2, NM_001386144.1); and 35 more; short protein forms T1551I, T1650I, T1654I, T1727I, T2597I, T3719I, T1584I, T1625I.
Identifiers: ClinVar variation 2854766 (VCV002854766.26), dbSNP rs1429502979, ClinGen allele CA357942618.
Genomic context (GRCh38, chr4:113,369,585, plus strand): 5'-CAGGAACAGAAACATCAGAGACTCAGAAGGCTATGATAGTACCCAGCTCTCCCAGCAAGA[C>T]ACCTGAGGAAGTTAGCACCCCTGCAGAGGAGGAGAAGCTGTACCTCCAGACCCCAACATC-3'
Protein context (NP_001139.3, residues 3787-3807): AMIVPSSPSK[Thr3797Ile]PEEVSTPAEE